The following is an entry in ClinVar:

ClinVar aggregate classification (germline): Uncertain significance (1 of 4 stars; one submission).

Conditions:
Inborn genetic diseases. Identifiers: MedGen C0950123, MeSH D030342.

Submission:

Ambry Genetics
Classification: Uncertain significance for Inborn genetic diseases. Last evaluated: 2023-09-01. Review status: criteria provided, single submitter. Criteria: Ambry Variant Classification Scheme 2023. Collection method: clinical testing. Allele origin: germline.
Comment: The p.M631I variant (also known as c.1893G>A), located in coding exon 12 of the EPAS1 gene, results from a G to A substitution at nucleotide position 1893. The methionine at codon 631 is replaced by isoleucine, an amino acid with highly similar properties. This amino acid position is conserved. In addition, this alteration is predicted to be tolerated by in silico analysis. Since supporting evidence is limited at this time, the clinical significance of this alteration remains unclear.

NM_001430.5(EPAS1):c.1893G>A (p.Met631Ile)

Gene: EPAS1 (endothelial PAS domain protein 1; plus strand). Cytogenetic location: 2p21.
Variant type: single nucleotide variant.
Coding change: c.1893G>A on transcript NM_001430.5 (MANE Select); coding-DNA position 1893, G replaced by A.
Protein change: p.Met631Ile; replaces methionine 631 with isoleucine.
Molecular consequence: missense variant.
Genome position (GRCh38, 1-based): chr2:46,380,565, G>A. VCF-style: chr2-46380565-G-A. GRCh37 (hg19) VCF-style: chr2-46607704-G-A.
Other names: short protein forms M631I.
Identifiers: ClinVar variation 2624643 (VCV002624643.2), dbSNP rs1175832911, ClinGen allele CA346705095.